The following is an entry in ClinVar:

NM_014875.3(KIF14):c.4190A>C (p.His1397Pro)

Gene: KIF14 (kinesin family member 14; minus strand). Cytogenetic location: 1q32.1.
Variant type: single nucleotide variant.
Coding change: c.4190A>C on transcript NM_014875.3 (MANE Select); coding-DNA position 4190, A replaced by C.
Protein change: p.His1397Pro; replaces histidine 1397 with proline.
Molecular consequence: missense variant.
Genome position (GRCh38, 1-based): chr1:200,560,762, T>G on the plus strand (A>C on the coding strand, the complement: KIF14 is on the minus strand). VCF-style: chr1-200560762-T-G. GRCh37 (hg19) VCF-style: chr1-200529890-T-G.
Other names: c.2717A>C, p.His906Pro (NM_001305792.1); short protein forms H906P, H1397P.
Identifiers: ClinVar variation 1471675 (VCV001471675.6), dbSNP rs2102572978, ClinGen allele CA344118073.

ClinVar aggregate classification (germline): Uncertain significance (1 of 4 stars; one submission).

Submission:

Labcorp Genetics (formerly Invitae), Labcorp
Classification: Uncertain significance. Last evaluated: 2025-07-10. Review status: criteria provided, single submitter. Criteria: Invitae Variant Classification Sherloc (09022015). Collection method: clinical testing. Allele origin: germline.
Comment: This sequence change replaces histidine, which is basic and polar, with proline, which is neutral and non-polar, at codon 1397 of the KIF14 protein (p.His1397Pro). This variant is not present in population databases (gnomAD no frequency). This variant has not been reported in the literature in individuals affected with KIF14-related conditions. ClinVar contains an entry for this variant (Variation ID: 1471675). An algorithm developed to predict the effect of missense changes on protein structure and function (PolyPhen-2) suggests that this variant is likely to be tolerated. In summary, the available evidence is currently insufficient to determine the role of this variant in disease. Therefore, it has been classified as a Variant of Uncertain Significance.